The following is an entry in ClinVar:

ClinVar aggregate classification (germline): Conflicting classifications of pathogenicity. Review status: criteria provided, conflicting classifications (1 of 4 stars). 5 submissions from 4 submitters: Uncertain significance (4); Likely benign (1). Last evaluated 2026-03-02.

Conditions:
Cardiovascular phenotype. Identifiers: MedGen CN230736.
RASopathy. Also called: Noonan spectrum disorder; rasopathies. Identifiers: Orphanet 536391, MedGen C5555857, MONDO:0021060.
Fibromatosis, gingival, 1 (GINGF1). Identifiers: Orphanet 2024, MedGen C4551558, MONDO:0007609, OMIM 135300.
Noonan syndrome 4 (NS4). Also called: SOS1-Related Noonan Syndrome; NOONAN SYNDROME WITH PIGMENTED VILLONODULAR SYNOVITIS. Identifiers: Orphanet 648, MedGen C1853120, MONDO:0012547, OMIM 610733.

Allele frequency attached by ClinVar (database versions not stated): TOPMed below 0.00001; gnomAD 0.00001; gnomAD exomes below 0.00001.

Submissions (5):

Ambry Genetics
Classification: Uncertain significance for Cardiovascular phenotype. Last evaluated: 2026-03-02. Review status: criteria provided, single submitter. Criteria: Ambry Variant Classification Scheme 2023. Collection method: clinical testing. Allele origin: germline.
Comment: The p.V1124I variant (also known as c.3370G>A), located in coding exon 21 of the SOS1 gene, results from a G to A substitution at nucleotide position 3370. The valine at codon 1124 is replaced by isoleucine, an amino acid with highly similar properties. This amino acid position is well conserved in available vertebrate species. In addition, this alteration is predicted to be tolerated by in silico analysis. Based on the available evidence, the clinical significance of this variant remains unclear.

Labcorp Genetics (formerly Invitae), Labcorp
Classification: Likely benign for RASopathy. Last evaluated: 2023-08-04. Review status: criteria provided, single submitter. Criteria: Invitae Variant Classification Sherloc (09022015). Collection method: clinical testing. Allele origin: germline.

Baylor Genetics
Classification: Uncertain significance for Noonan syndrome 4. Last evaluated: 2018-04-26. Review status: criteria provided, single submitter. Criteria: ACMG Guidelines, 2015. Collection method: clinical testing. Allele origin: paternal. Affected: yes.
Comment: This variant was determined to be of uncertain significance according to ACMG Guidelines, 2015 [PMID:25741868].

Genome-Nilou Lab
Classification: Uncertain significance for Noonan syndrome 4. Review status: criteria provided, single submitter. Criteria: ACMG Guidelines, 2015. Collection method: clinical testing. Allele origin: germline.

Genome-Nilou Lab
Classification: Uncertain significance for Fibromatosis, gingival, 1. Review status: criteria provided, single submitter. Criteria: ACMG Guidelines, 2015. Collection method: clinical testing. Allele origin: germline.

NM_005633.4(SOS1):c.3370G>A (p.Val1124Ile)

Gene: SOS1 (SOS Ras/Rac guanine nucleotide exchange factor 1; minus strand). Cytogenetic location: 2p22.1.
Variant type: single nucleotide variant.
Coding change: c.3370G>A on transcript NM_005633.4 (MANE Select); coding-DNA position 3370, G replaced by A.
Protein change: p.Val1124Ile; replaces valine 1124 with isoleucine.
Molecular consequence: missense variant. On other transcripts: intron variant (1).
Genome position (GRCh38, 1-based): chr2:38,989,291, C>T on the plus strand (G>A on the coding strand, the complement: SOS1 is on the minus strand). VCF-style: chr2-38989291-C-T. GRCh37 (hg19) VCF-style: chr2-39216432-C-T.
Other names: c.3349G>A, p.Val1117Ile (NM_001382394.1); c.3347-1700G>A (NM_001382395.1); short protein forms V1117I, V1124I.
Identifiers: ClinVar variation 1034196 (VCV001034196.10), dbSNP rs1342428273, ClinGen allele CA346359860.
Genomic context (GRCh38, chr2:38,989,291, plus strand): 5'-CAAAGCAAGAATTATGAGTCTTAAACCAAATATACTAACTTGGGCCATGGGGCAGAGTAA[C>T]TTGGATAAAGACGGTATCATTGCCTGTGAAAGGAAACAAGAAAAAGTAGATTTTTTTCTT-3'
Protein context (NP_005624.2, residues 1114-1134): HSSNDTVFIQ[Val1124Ile]TLPHGPRSAS